The following is an entry in ClinVar:

NM_053025.4(MYLK):c.4681G>C (p.Glu1561Gln)

Gene: MYLK (myosin light chain kinase; minus strand). Cytogenetic location: 3q21.1.
Variant type: single nucleotide variant.
Coding change: c.4681G>C on transcript NM_053025.4 (MANE Select); coding-DNA position 4681, G replaced by C.
Protein change: p.Glu1561Gln; replaces glutamic acid 1561 with glutamine.
Molecular consequence: missense variant.
Genome position (GRCh38, 1-based): chr3:123,640,443, C>G on the plus strand (G>C on the coding strand, the complement: MYLK is on the minus strand). VCF-style: chr3-123640443-C-G. GRCh37 (hg19) VCF-style: chr3-123359290-C-G.
Other names: c.4153G>C, p.Glu1385Gln (NM_001321309.2); c.4474G>C, p.Glu1492Gln (NM_053026.4, NM_053028.4); c.4681G>C, p.Glu1561Gln (NM_053027.4); short protein forms E1561Q, E1385Q, E1492Q.
Identifiers: ClinVar variation 427738 (VCV000427738.45), dbSNP rs1114167363, ClinGen allele CA354226199.

ClinVar aggregate classification (germline): Uncertain significance. Review status: criteria provided, multiple submitters, no conflicts (2 of 4 stars). 4 submissions from 4 submitters: Uncertain significance (3). 1 of the submissions does not count toward it. Last evaluated 2025-02-20.

Conditions:
Familial thoracic aortic aneurysm and aortic dissection (TAAD). Also called: Thoracic aortic aneurysms and dissections. Identifiers: Orphanet 91387, MedGen C4707243, MONDO:0019625.
Aortic aneurysm, familial thoracic 7 (AAT7). Also called: AORTIC DISSECTION, FAMILIAL, WITH OR WITHOUT AORTIC ANEURYSM. Identifiers: MedGen C3151077, MONDO:0013418, OMIM 613780.

Allele frequency attached by ClinVar (database versions not stated): gnomAD exomes below 0.00001; TOPMed 0.00001.
gnomAD v4.1: 1 of 1,614,080 alleles (0.000062%); highest among the groups gnomAD compares: Non-Finnish European, 0.000085%; no homozygotes.

Submissions (4):

Labcorp Genetics (formerly Invitae), Labcorp
Classification: Uncertain significance for Aortic aneurysm, familial thoracic 7. Last evaluated: 2025-02-20. Review status: criteria provided, single submitter. Criteria: Invitae Variant Classification Sherloc (09022015). Collection method: clinical testing. Allele origin: germline.
Comment: This sequence change replaces glutamic acid, which is acidic and polar, with glutamine, which is neutral and polar, at codon 1561 of the MYLK protein (p.Glu1561Gln). This variant is not present in population databases (gnomAD no frequency). This variant has not been reported in the literature in individuals affected with MYLK-related conditions. ClinVar contains an entry for this variant (Variation ID: 427738). Invitae Evidence Modeling of protein sequence and biophysical properties (such as structural, functional, and spatial information, amino acid conservation, physicochemical variation, residue mobility, and thermodynamic stability) has been performed for this missense variant. However, the output from this modeling did not meet the statistical confidence thresholds required to predict the impact of this variant on MYLK protein function. In summary, the available evidence is currently insufficient to determine the role of this variant in disease. Therefore, it has been classified as a Variant of Uncertain Significance.

Ambry Genetics
Classification: Uncertain significance for Familial thoracic aortic aneurysm and aortic dissection. Last evaluated: 2024-12-20. Review status: criteria provided, single submitter. Criteria: Ambry Variant Classification Scheme 2023. Collection method: clinical testing. Allele origin: germline.
Comment: The p.E1561Q variant (also known as c.4681G>C), located in coding exon 25 of the MYLK gene, results from a G to C substitution at nucleotide position 4681. The glutamic acid at codon 1561 is replaced by glutamine, an amino acid with highly similar properties. This amino acid position is conserved. In addition, the in silico prediction for this alteration is inconclusive. Based on the available evidence, the clinical significance of this variant remains unclear.

CeGaT Center for Human Genetics Tuebingen
Classification: Uncertain significance. Last evaluated: 2017-09-01. Review status: criteria provided, single submitter. Criteria: CeGaT Center For Human Genetics Tuebingen Variant Classification Criteria Version 2. Collection method: clinical testing. Allele origin: germline. Affected: yes. Observed: 1 variant allele.

Institute of Human Genetics, Cologne University
Classification: Uncertain significance for Aortic aneurysm, familial thoracic 7. Review status: no assertion criteria provided. Collection method: clinical testing. Allele origin: unknown. Inheritance: Autosomal dominant inheritance. Affected: yes. Observed: 1 variant allele, 1 heterozygote. Not counted in ClinVar's aggregate classification.